The following is an entry in ClinVar:

NM_024528.4(NKAP):c.1082G>A (p.Arg361Gln)

Gene: NKAP (NFKB activating protein; minus strand). Cytogenetic location: Xq24.
Variant type: single nucleotide variant.
Coding change: c.1082G>A on transcript NM_024528.4 (MANE Select); coding-DNA position 1082, G replaced by A.
Protein change: p.Arg361Gln; replaces arginine 361 with glutamine.
Molecular consequence: missense variant.
Genome position (GRCh38, 1-based): chrX:119,925,386, C>T on the plus strand (G>A on the coding strand, the complement: NKAP is on the minus strand). VCF-style: chrX-119925386-C-T. GRCh37 (hg19) VCF-style: chrX-119059349-C-T.
Other names: c.1082G>A (NM_024528.3); short protein forms R361Q.
Identifiers: ClinVar variation 827657 (VCV000827657.3), dbSNP rs1603379318, ClinGen allele CA414192718.

ClinVar aggregate classification (germline): Uncertain significance. Review status: criteria provided, single submitter (1 of 4 stars). 2 submissions from 2 submitters: Uncertain significance (1). 1 of the submissions does not count toward it. Last evaluated 2023-03-22.

Conditions:
Intellectual developmental disorder, X-linked, syndromic, Hackmann-Di Donato type. Also called: MENTAL RETARDATION, X-LINKED, WITH MARFANOID HABITUS, 2. Identifiers: Orphanet 700325, MedGen C5393302, MONDO:0026733, OMIM 301039.

Submissions (2):

GeneDx
Classification: Uncertain significance. Last evaluated: 2023-03-22. Review status: criteria provided, single submitter. Criteria: GeneDx Variant Classification Process June 2021. Collection method: clinical testing. Allele origin: germline. Affected: yes.
Comment: Not observed at significant frequency in large population cohorts (gnomAD); In silico analysis supports that this missense variant has a deleterious effect on protein structure/function; De novo variant with confirmed parentage in published literature (Fiordaliso et al., 2019) in a candidate gene with a potential relationship to the phenotype; Variants in candidate genes are classified as variants of uncertain significance in accordance with ACMG guidelines (Richards et al., 2015); This variant is associated with the following publications: (PMID: 31587868)

OMIM
Classification: Pathogenic for INTELLECTUAL DEVELOPMENTAL DISORDER, X-LINKED, SYNDROMIC, HACKMANN-DI DONATO TYPE. Last evaluated: 2020-03-17. Review status: no assertion criteria provided. Collection method: literature only. Allele origin: germline. Not counted in ClinVar's aggregate classification.

Literature cited by the submitters: PubMed 31587868 (cited by OMIM).